The following is an entry in ClinVar:

NM_033100.4(CDHR1):c.833C>T (p.Pro278Leu)

Gene: CDHR1 (cadherin related family member 1; plus strand). Cytogenetic location: 10q23.1.
Variant type: single nucleotide variant.
Coding change: c.833C>T on transcript NM_033100.4 (MANE Select); coding-DNA position 833, C replaced by T.
Protein change: p.Pro278Leu; replaces proline 278 with leucine.
Molecular consequence: missense variant.
Genome position (GRCh38, 1-based): chr10:84,204,576, C>T. VCF-style: chr10-84204576-C-T. GRCh37 (hg19) VCF-style: chr10-85964332-C-T.
Other names: c.833C>T, p.Pro278Leu (NM_001171971.3); short protein forms P278L.
Identifiers: ClinVar variation 290839 (VCV000290839.17), dbSNP rs543254581, ClinGen allele CA5579725.
Genomic context (GRCh38, chr10:84,204,576, plus strand): 5'-GTTTCCCCGAGGGCTCGGAGGTACTGAAGGTGGTCGCCATGGATGGAGACCGGGGCAAAC[C>T]CAATCGAATTCTCTACAGCCTTGTAAATGGTGAGTCTGAGCAGCTTTGGGGGCTGCAGCT-3'
Protein context (NP_149091.1, residues 268-288): VVAMDGDRGK[Pro278Leu]NRILYSLVNG

ClinVar aggregate classification (germline): Conflicting classifications of pathogenicity. Review status: criteria provided, conflicting classifications (1 of 4 stars). 5 submissions from 5 submitters: Uncertain significance (3); Likely benign (2). Last evaluated 2025-11-04.

Conditions:
CDHR1-related disorder. Also called: CDHR1-related condition.

Allele frequency attached by ClinVar (database versions not stated): gnomAD 0.00002 and 0.00011; TOPMed 0.00005; gnomAD exomes 0.00011 and 0.00021; ExAC 0.00020; 1000 Genomes Project 30x 0.00078; 1000 Genomes Project 0.00080.
gnomAD v4.1: 174 of 1,613,674 alleles (0.011%); highest among the groups gnomAD compares: South Asian, 0.17%; 2 homozygotes.

Submissions (5):

PreventionGenetics, part of Exact Sciences
Classification: Likely benign for CDHR1-related condition. Last evaluated: 2025-11-04. Review status: criteria provided, single submitter. Criteria: ACMG Guidelines, 2015. Collection method: clinical testing. Allele origin: germline.
Comment: This variant is classified as likely benign based on ACMG/AMP sequence variant interpretation guidelines (Richards et al. 2015 PMID: 25741868, with internal and published modifications).

Labcorp Genetics (formerly Invitae), Labcorp
Classification: Likely benign. Last evaluated: 2025-09-02. Review status: criteria provided, single submitter. Criteria: Invitae Variant Classification Sherloc (09022015). Collection method: clinical testing. Allele origin: germline.

Blueprint Genetics
Classification: Uncertain significance. Last evaluated: 2021-09-06. Review status: criteria provided, single submitter. Criteria: ACMG Guidelines, 2015. Collection method: clinical testing. Allele origin: germline.

Eurofins Ntd Llc (ga)
Classification: Uncertain significance. Last evaluated: 2016-09-15. Review status: criteria provided, single submitter. Criteria: EGL Classification Definitions 2015. Collection method: clinical testing. Allele origin: germline. Observed: 1 variant allele, 1 heterozygote.

Breakthrough Genomics
Classification: Uncertain significance. Review status: criteria provided, single submitter. Criteria: ACMG Guidelines, 2015. Collection method: not provided. Allele origin: germline. Inheritance: Autosomal recessive inheritance. Affected: yes.